The following is an entry in ClinVar:

ClinVar aggregate classification (germline): Uncertain significance (1 of 4 stars; one submission).

Submission:

Labcorp Genetics (formerly Invitae), Labcorp
Classification: Uncertain significance. Last evaluated: 2025-09-01. Review status: criteria provided, single submitter. Criteria: Invitae Variant Classification Sherloc (09022015). Collection method: clinical testing. Allele origin: germline.
Comment: This sequence change replaces tyrosine, which is neutral and polar, with cysteine, which is neutral and slightly polar, at codon 762 of the TNS2 protein (p.Tyr762Cys). This variant is not present in population databases (gnomAD no frequency). This variant has not been reported in the literature in individuals affected with TNS2-related conditions. An algorithm developed to predict the effect of missense changes on protein structure and function (PolyPhen-2) suggests that this variant is likely to be tolerated. In summary, the available evidence is currently insufficient to determine the role of this variant in disease. Therefore, it has been classified as a Variant of Uncertain Significance.

NM_170754.4(TNS2):c.2255A>G (p.Tyr752Cys)

Gene: TNS2 (tensin 2; plus strand). Cytogenetic location: 12q13.13.
Variant type: single nucleotide variant.
Coding change: c.2255A>G on transcript NM_170754.4 (MANE Select); coding-DNA position 2255, A replaced by G.
Protein change: p.Tyr752Cys; replaces tyrosine 752 with cysteine.
Molecular consequence: missense variant.
Genome position (GRCh38, 1-based): chr12:53,059,896, A>G. VCF-style: chr12-53059896-A-G. GRCh37 (hg19) VCF-style: chr12-53453680-A-G.
Other names: c.2255A>G, p.Tyr752Cys (NM_001416202.1); c.2213A>G, p.Tyr738Cys (NM_001416203.1); c.2282A>G, p.Tyr761Cys (NM_001416204.1); c.2186A>G, p.Tyr729Cys (NM_015319.3); c.1883A>G, p.Tyr628Cys (NM_198316.2); short protein forms Y628C, Y761C, Y729C, Y752C, Y738C.
Identifiers: ClinVar variation 4781189 (VCV004781189.1).